The following is an entry in ClinVar:

ClinVar aggregate classification (germline): Likely benign. Review status: criteria provided, single submitter (1 of 4 stars). 2 submissions from 2 submitters: Likely benign (1). 1 of the submissions does not count toward it. Last evaluated 2022-07-04.

Conditions:
PKHD1-related disorder. Also called: PKHD1-related condition.
Autosomal recessive polycystic kidney disease (ARPKD). Also called: AR polycystic kidney disease. Identifiers: Orphanet 731, Orphanet 8378, MedGen C0085548, MeSH D017044, MONDO:0009889.

Allele frequency attached by ClinVar (database versions not stated): TOPMed below 0.00001; gnomAD 0.00001; gnomAD exomes 0.00001.
gnomAD v4.1: 22 of 1,604,752 alleles (0.0014%); highest among the groups gnomAD compares: Non-Finnish European, 0.0018%; no homozygotes.

Submissions (2):

Labcorp Genetics (formerly Invitae), Labcorp
Classification: Likely benign for Autosomal recessive polycystic kidney disease. Last evaluated: 2022-07-04. Review status: criteria provided, single submitter. Criteria: Invitae Variant Classification Sherloc (09022015). Collection method: clinical testing. Allele origin: germline.

PreventionGenetics, part of Exact Sciences
Classification: Likely benign for PKHD1-related condition. Last evaluated: 2021-05-18. Review status: no assertion criteria provided. Collection method: clinical testing. Allele origin: germline. Not counted in ClinVar's aggregate classification.
Comment: This variant is classified as likely benign based on ACMG/AMP sequence variant interpretation guidelines (Richards et al. 2015 PMID: 25741868, with internal and published modifications).

NM_138694.4(PKHD1):c.1198T>C (p.Leu400=)

Gene: PKHD1 (PKHD1 ciliary IPT domain containing fibrocystin/polyductin; minus strand). Cytogenetic location: 6p12.2.
Variant type: single nucleotide variant.
Coding change: c.1198T>C on transcript NM_138694.4 (MANE Select); coding-DNA position 1198, T replaced by C.
Protein change: p.Leu400=; no amino-acid change (leucine 400 retained).
Molecular consequence: synonymous variant.
Genome position (GRCh38, 1-based): chr6:52,059,963, A>G on the plus strand (T>C on the coding strand, the complement: PKHD1 is on the minus strand). VCF-style: chr6-52059963-A-G. GRCh37 (hg19) VCF-style: chr6-51924761-A-G.
Other names: c.1198T>C, p.Leu400= (NM_170724.3).
Identifiers: ClinVar variation 758675 (VCV000758675.11), dbSNP rs1582024099, ClinGen allele CA450420415.